The following is an entry in ClinVar:

ClinVar aggregate classification (germline): Uncertain significance. Review status: criteria provided, multiple submitters, no conflicts (2 of 4 stars). 3 submissions from 3 submitters: Uncertain significance (3). Last evaluated 2025-11-03.

Conditions:
Noonan syndrome 9 (NS9). Identifiers: Orphanet 648, MedGen C4225282, MONDO:0014691, OMIM 616559.
SOS2-related disorder. Also called: SOS2-related condition.

Allele frequency attached by ClinVar (database versions not stated): TOPMed below 0.00001.

Submissions (3):

Labcorp Genetics (formerly Invitae), Labcorp
Classification: Uncertain significance for Noonan syndrome 9. Last evaluated: 2025-11-03. Review status: criteria provided, single submitter. Criteria: Invitae Variant Classification Sherloc (09022015). Collection method: clinical testing. Allele origin: germline.
Comment: This sequence change replaces cysteine, which is neutral and slightly polar, with arginine, which is basic and polar, at codon 506 of the SOS2 protein (p.Cys506Arg). This variant is not present in population databases (gnomAD no frequency). This variant has not been reported in the literature in individuals affected with SOS2-related conditions. ClinVar contains an entry for this variant (Variation ID: 2050817). Invitae Evidence Modeling of protein sequence and biophysical properties (such as structural, functional, and spatial information, amino acid conservation, physicochemical variation, residue mobility, and thermodynamic stability) indicates that this missense variant is not expected to disrupt SOS2 protein function with a negative predictive value of 95%. In summary, the available evidence is currently insufficient to determine the role of this variant in disease. Therefore, it has been classified as a Variant of Uncertain Significance.

PreventionGenetics, part of Exact Sciences
Classification: Uncertain significance for SOS2-related condition. Last evaluated: 2025-02-07. Review status: criteria provided, single submitter. Criteria: ACMG Guidelines, 2015. Collection method: clinical testing. Allele origin: germline.
Comment: The SOS2 c.1516T>C variant is predicted to result in the amino acid substitution p.Cys506Arg. To our knowledge, this variant has not been reported in the literature or in a large population database (gnomAD), indicating this variant is rare. At this time, the clinical significance of this variant is uncertain due to the absence of conclusive functional and genetic evidence.

St. Jude Molecular Pathology, St. Jude Children's Research Hospital
Classification: Uncertain significance for Noonan syndrome 9. Last evaluated: 2025-02-05. Review status: criteria provided, single submitter. Criteria: St. Jude Assertion Criteria 2020. Collection method: clinical testing. Allele origin: germline.
Comment: The SOS2 c.1516T>C (p.Cys506Arg) missense change is absent in gnomAD v2.1.1. The in silico tool REVEL predicts a benign effect on protein function, but to our knowledge this prediction has not been confirmed by functional studies. To our knowledge, this variant has not been reported in individuals with Noonan syndrome. In summary, the evidence currently available is insufficient to determine the clinical significance of this variant. It has therefore been classified as of uncertain significance.

NM_006939.4(SOS2):c.1516T>C (p.Cys506Arg)

Gene: SOS2 (SOS Ras/Rho guanine nucleotide exchange factor 2; minus strand). Cytogenetic location: 14q21.3.
Variant type: single nucleotide variant.
Coding change: c.1516T>C on transcript NM_006939.4 (MANE Select); coding-DNA position 1516, T replaced by C.
Protein change: p.Cys506Arg; replaces cysteine 506 with arginine.
Molecular consequence: missense variant.
Genome position (GRCh38, 1-based): chr14:50,159,767, A>G on the plus strand (T>C on the coding strand, the complement: SOS2 is on the minus strand). VCF-style: chr14-50159767-A-G. GRCh37 (hg19) VCF-style: chr14-50626485-A-G.
Other names: c.1516T>C (NM_006939.3); c.1417T>C, p.Cys473Arg (NM_001411020.1); short protein forms C473R, C506R.
Identifiers: ClinVar variation 2050817 (VCV002050817.6), dbSNP rs1884936986, ClinGen allele CA389645593.